The following is an entry in ClinVar:

ClinVar aggregate classification (germline): Uncertain significance (1 of 4 stars; one submission).

Conditions:
Diamond-Blackfan anemia 12 (DBA12). Also called: RPL15-Related Diamond-Blackfan Anemia. Identifiers: Orphanet 124, MedGen C3809888, MONDO:0014245, OMIM 615550.

Submission:

Juno Genomics, Hangzhou Juno Genomics, Inc
Classification: Uncertain significance for Diamond-Blackfan anemia 12. Review status: criteria provided, single submitter. Criteria: ACMG Guidelines, 2015. Collection method: clinical testing. Allele origin: germline. Affected: yes.
Comment: Absent from controls (or at extremely low frequency if recessive) in Genome Aggregation Database, Exome Sequencing Project, 1000 Genomes Project, or Exome Aggregation Consortium.;Null variant in a gene where loss of function (LOF) is a known mechanism of disease.;Assumed de novo, but without confirmation of paternity and maternity.

NM_002948.5(RPL15):c.227del (p.Pro76fs)

Genes: NKIRAS1 (NFKB inhibitor interacting Ras like 1; minus strand), RPL15 (ribosomal protein L15; plus strand). Cytogenetic location: 3p24.2.
Variant type: Deletion.
Coding change: c.227del on transcript NM_002948.5 (MANE Select); coding-DNA position 227, one base deleted (C; older notation c.227delC).
Protein change: p.Pro76fs; shifts the reading frame from proline 76.
Molecular consequence: frameshift variant. On other transcripts: intron variant (1).
Genome position (GRCh38, 1-based): chr3:23,918,494, C deleted; the last of 2 consecutive C bases (chr3:23,918,493-23,918,494); deleting either gives the same sequence. VCF-style (leftmost placement, unchanged base first): chr3-23918492-TC-T. GRCh37 (hg19) VCF-style: chr3-23959983-TC-T.
Other names: c.227del, p.Pro76fs (NM_001253379.2, NM_001253380.2, NM_001253382.2 and 2 more transcripts); c.-139-7043del (NM_001377380.1); short protein forms P76fs.
Identifiers: ClinVar variation 3906961 (VCV003906961.1).